The following is an entry in ClinVar:

NM_001849.4(COL6A2):c.541C>T (p.Arg181Cys)

Gene: COL6A2 (collagen type VI alpha 2 chain; plus strand). Cytogenetic location: 21q22.3.
Variant type: single nucleotide variant.
Coding change: c.541C>T on transcript NM_001849.4 (MANE Select); coding-DNA position 541, C replaced by T.
Protein change: p.Arg181Cys; replaces arginine 181 with cysteine.
Molecular consequence: missense variant.
Genome position (GRCh38, 1-based): chr21:46,112,404, C>T. VCF-style: chr21-46112404-C-T. GRCh37 (hg19) VCF-style: chr21-47532318-C-T.
Other names: c.541C>T, p.Arg181Cys (NM_058174.3, NM_058175.3); short protein forms R181C.
Identifiers: ClinVar variation 4798136 (VCV004798136.1).
Genomic context (GRCh38, chr21:46,112,404, plus strand): 5'-ACCGACGGCCACGTCACCGGCAGCCCCTGCGGGGGCATCAAGCTGCAGGCCGAGCGGGCC[C>T]GCGAGGAGGGCATCCGGCTCTTCGCCGTGGCCCCCAACCAGAACCTGAAGGAGCAGGGCC-3'
Protein context (NP_001840.3, residues 171-191): GGIKLQAERA[Arg181Cys]EEGIRLFAVA

ClinVar aggregate classification (germline): Uncertain significance (1 of 4 stars; one submission).

Conditions:
Bethlem myopathy 1A. Also called: MYOPATHY, BENIGN CONGENITAL, WITH CONTRACTURES; Bethlem myopathy 1; Bethlem Muscular Dystrophy. Identifiers: Orphanet 610, MedGen CN029274, MONDO:0024530, OMIM 158810.

gnomAD v4.1: 7 of 1,608,160 alleles (0.00044%); highest among the groups gnomAD compares: East Asian, 0.0022%; no homozygotes.

Submission:

Labcorp Genetics (formerly Invitae), Labcorp
Classification: Uncertain significance for Bethlem myopathy 1A. Last evaluated: 2025-09-08. Review status: criteria provided, single submitter. Criteria: Invitae Variant Classification Sherloc (09022015). Collection method: clinical testing. Allele origin: germline.
Comment: This sequence change replaces arginine, which is basic and polar, with cysteine, which is neutral and slightly polar, at codon 181 of the COL6A2 protein (p.Arg181Cys). This variant is present in population databases (rs768112144, gnomAD 0.003%). This variant has not been reported in the literature in individuals affected with COL6A2-related conditions. Invitae Evidence Modeling of protein sequence and biophysical properties (such as structural, functional, and spatial information, amino acid conservation, physicochemical variation, residue mobility, and thermodynamic stability) indicates that this missense variant is expected to disrupt COL6A2 protein function with a positive predictive value of 80%. In summary, the available evidence is currently insufficient to determine the role of this variant in disease. Therefore, it has been classified as a Variant of Uncertain Significance.